The following is an entry in ClinVar:

NM_020754.4(ARHGAP31):c.738G>C (p.Lys246Asn)

Gene: ARHGAP31 (Rho GTPase activating protein 31; plus strand). Cytogenetic location: 3q13.33.
Variant type: single nucleotide variant.
Coding change: c.738G>C on transcript NM_020754.4 (MANE Select); coding-DNA position 738, G replaced by C.
Protein change: p.Lys246Asn; replaces lysine 246 with asparagine.
Molecular consequence: missense variant.
Genome position (GRCh38, 1-based): chr3:119,390,840, G>C. VCF-style: chr3-119390840-G-C. GRCh37 (hg19) VCF-style: chr3-119109687-G-C.
Other names: short protein forms K246N.
Identifiers: ClinVar variation 2807791 (VCV002807791.3), dbSNP rs2472844054, ClinGen allele CA354031594.
Genomic context (GRCh38, chr3:119,390,840, plus strand): 5'-TACAGAAAACCGGCCCATCATGAAGAGCCTGACCTTGCCAGCCCTCTCCCTGCCCATGAA[G>C]CTGGTGAGCCTTGAGGAAGCTCAAGCCCGCAGCCTGGCCACTAACCATCCTGCTCGCAAG-3'
Protein context (NP_065805.2, residues 236-256): LTLPALSLPM[Lys246Asn]LVSLEEAQAR

ClinVar aggregate classification (germline): Uncertain significance (1 of 4 stars; one submission).

Submission:

Labcorp Genetics (formerly Invitae), Labcorp
Classification: Uncertain significance. Last evaluated: 2025-10-02. Review status: criteria provided, single submitter. Criteria: Invitae Variant Classification Sherloc (09022015). Collection method: clinical testing. Allele origin: germline.
Comment: This sequence change replaces lysine, which is basic and polar, with asparagine, which is neutral and polar, at codon 246 of the ARHGAP31 protein (p.Lys246Asn). This variant is not present in population databases (gnomAD no frequency). This variant has not been reported in the literature in individuals affected with ARHGAP31-related conditions. ClinVar contains an entry for this variant (Variation ID: 2807791). An algorithm developed to predict the effect of missense changes on protein structure and function (PolyPhen-2) suggests that this variant is likely to be disruptive. In summary, the available evidence is currently insufficient to determine the role of this variant in disease. Therefore, it has been classified as a Variant of Uncertain Significance.